The following is an entry in ClinVar:

ClinVar aggregate classification (germline): Uncertain significance. Review status: criteria provided, multiple submitters, no conflicts (2 of 4 stars). 4 submissions from 4 submitters: Uncertain significance (4). Last evaluated 2026-08-18.

Conditions:
BBS9-related disorder. Also called: BBS9-related condition.
Bardet-Biedl syndrome (BBS). Identifiers: Orphanet 110, MedGen C0752166, MONDO:0015229.
Bardet-Biedl syndrome 9 (BBS9). Identifiers: Orphanet 110, MedGen C1859567, MONDO:0014437, OMIM 615986.

Allele frequency attached by ClinVar (database versions not stated): gnomAD exomes below 0.00001 and 0.00001; ExAC 0.00001; gnomAD 0.00003; ESP Exome Variant Server 0.00008.
gnomAD v4.1: 16 of 1,606,940 alleles (0.001%); highest among the groups gnomAD compares: Non-Finnish European, 0.0014%; no homozygotes.

Submissions (4):

PreventionGenetics, part of Exact Sciences
Classification: Uncertain significance for BBS9-related condition. Last evaluated: 2026-08-18. Review status: criteria provided, single submitter. Criteria: ACMG Guidelines, 2015. Collection method: clinical testing. Allele origin: germline.
Comment: The BBS9 c.1801A>G variant is predicted to result in the amino acid substitution p.Ile601Val. To our knowledge, this variant has not been reported in the literature. This variant is reported in 0.0016% of alleles in individuals of European (Non-Finnish) descent in gnomAD. At this time, the clinical significance of this variant is uncertain due to the absence of conclusive functional and genetic evidence.

Labcorp Genetics (formerly Invitae), Labcorp
Classification: Uncertain significance for Bardet-Biedl syndrome. Last evaluated: 2022-07-05. Review status: criteria provided, single submitter. Criteria: Invitae Variant Classification Sherloc (09022015). Collection method: clinical testing. Allele origin: germline.
Comment: This sequence change replaces isoleucine, which is neutral and non-polar, with valine, which is neutral and non-polar, at codon 601 of the BBS9 protein (p.Ile601Val). This variant is present in population databases (rs377588119, gnomAD 0.0009%). This variant has not been reported in the literature in individuals affected with BBS9-related conditions. ClinVar contains an entry for this variant (Variation ID: 1412141). Algorithms developed to predict the effect of missense changes on protein structure and function are either unavailable or do not agree on the potential impact of this missense change (SIFT: "Deleterious"; PolyPhen-2: "Possibly Damaging"; Align-GVGD: "Class C0"). In summary, the available evidence is currently insufficient to determine the role of this variant in disease. Therefore, it has been classified as a Variant of Uncertain Significance.

Fulgent Genetics
Classification: Uncertain significance for Bardet-Biedl syndrome 9. Last evaluated: 2022-03-24. Review status: criteria provided, single submitter. Criteria: ACMG Guidelines, 2015. Collection method: clinical testing. Allele origin: unknown.

Blueprint Genetics
Classification: Uncertain significance. Last evaluated: 2019-11-07. Review status: criteria provided, single submitter. Criteria: ACMG Guidelines, 2015. Collection method: clinical testing. Allele origin: germline.

NM_198428.3(BBS9):c.1801A>G (p.Ile601Val)

Gene: BBS9 (Bardet-Biedl syndrome 9; plus strand). Cytogenetic location: 7p14.3.
Variant type: single nucleotide variant.
Coding change: c.1801A>G on transcript NM_198428.3 (MANE Select); coding-DNA position 1801, A replaced by G.
Protein change: p.Ile601Val; replaces isoleucine 601 with valine.
Molecular consequence: missense variant. On other transcripts: non-coding transcript variant (3).
Genome position (GRCh38, 1-based): chr7:33,383,677, A>G. VCF-style: chr7-33383677-A-G. GRCh37 (hg19) VCF-style: chr7-33423289-A-G.
Other names: c.1696A>G, p.Ile566Val (NM_001033604.2); c.1786A>G, p.Ile596Val (NM_001033605.2); c.1801A>G, p.Ile601Val (NM_001348036.1, NM_001348041.4, NM_001348043.3 and 1 more transcripts); c.1435A>G, p.Ile479Val (NM_001348037.3, NM_001348045.3, NM_001348046.3); c.1528A>G, p.Ile510Val (NM_001348038.3); c.1423A>G, p.Ile475Val (NM_001348039.3); c.1681A>G, p.Ile561Val (NM_001348040.3, NM_014451.4); c.1666A>G, p.Ile556Val (NM_001348042.3); and 2 more; short protein forms I444V, I475V, I479V, I566V, I601V, I510V, I556V, I561V.
Identifiers: ClinVar variation 1412141 (VCV001412141.6), dbSNP rs377588119, ClinGen allele CA4214521.